The following is an entry in ClinVar:

NM_001377229.1(DISP1):c.3668A>G (p.Gln1223Arg)

Gene: DISP1 (dispatched RND transporter family member 1; plus strand). Cytogenetic location: 1q41.
Variant type: single nucleotide variant.
Coding change: c.3668A>G on transcript NM_001377229.1 (MANE Select); coding-DNA position 3668, A replaced by G.
Protein change: p.Gln1223Arg; replaces glutamine 1223 with arginine.
Molecular consequence: missense variant.
Genome position (GRCh38, 1-based): chr1:223,005,065, A>G. VCF-style: chr1-223005065-A-G. GRCh37 (hg19) VCF-style: chr1-223178407-A-G.
Other names: c.2939A>G, p.Gln980Arg (NM_001350630.2); c.3668A>G, p.Gln1223Arg (NM_001369594.1, NM_001377228.1, NM_032890.5); short protein forms Q1223R, Q980R.
Identifiers: ClinVar variation 1495963 (VCV001495963.8), dbSNP rs756647421, ClinGen allele CA1409448.
Genomic context (GRCh38, chr1:223,005,065, plus strand): 5'-CTGCCCCTGAGAAGACCACTTATGAAGAGACCCACATCTGCTCTGAATTTTTCAACAGCC[A>G]AGCAAAGAATTTAGGGATGCCTGTGCATGCAGCTTACAACAGTGAACTCAGCAAAAGCAC-3'
Protein context (NP_001364158.1, residues 1213-1233): THICSEFFNS[Gln1223Arg]AKNLGMPVHA

ClinVar aggregate classification (germline): Uncertain significance (1 of 4 stars; one submission).

Allele frequency attached by ClinVar (database versions not stated): gnomAD exomes 0.00001 and 0.00006; gnomAD 0.00003; ExAC 0.00004; TOPMed 0.00006.
gnomAD v4.1: 23 of 1,614,056 alleles (0.0014%); highest among the groups gnomAD compares: East Asian, 0.027%; no homozygotes.

Submission:

Labcorp Genetics (formerly Invitae), Labcorp
Classification: Uncertain significance. Last evaluated: 2025-04-23. Review status: criteria provided, single submitter. Criteria: Invitae Variant Classification Sherloc (09022015). Collection method: clinical testing. Allele origin: germline.
Comment: This sequence change replaces glutamine, which is neutral and polar, with arginine, which is basic and polar, at codon 1223 of the DISP1 protein (p.Gln1223Arg). This variant is present in population databases (rs756647421, gnomAD 0.08%). This variant has not been reported in the literature in individuals affected with DISP1-related conditions. ClinVar contains an entry for this variant (Variation ID: 1495963). An algorithm developed to predict the effect of missense changes on protein structure and function (PolyPhen-2) suggests that this variant is likely to be tolerated. In summary, the available evidence is currently insufficient to determine the role of this variant in disease. Therefore, it has been classified as a Variant of Uncertain Significance.